The following is an entry in ClinVar:

ClinVar aggregate classification (germline): Pathogenic (1 of 4 stars; one submission).

Conditions:
Developmental and epileptic encephalopathy 94 (DEE94). Also called: Epileptic encephalopathy, childhood-onset; CHD2-Related Neurodevelopmental Disorders. Identifiers: Orphanet 1942, Orphanet 2382, MedGen C3809278, MONDO:0014150, OMIM 615369.

Submission:

Labcorp Genetics (formerly Invitae), Labcorp
Classification: Pathogenic for Developmental and epileptic encephalopathy 94. Last evaluated: 2022-07-26. Review status: criteria provided, single submitter. Criteria: Invitae Variant Classification Sherloc (09022015). Collection method: clinical testing. Allele origin: germline.
Comment: This sequence change creates a premature translational stop signal (p.Arg1117*) in the CHD2 gene. It is expected to result in an absent or disrupted protein product. Loss-of-function variants in CHD2 are known to be pathogenic (PMID: 23708187, 24207121). This variant is not present in population databases (gnomAD no frequency). This variant has not been reported in the literature in individuals affected with CHD2-related conditions. ClinVar contains an entry for this variant (Variation ID: 963946). For these reasons, this variant has been classified as Pathogenic.

Literature cited by the submitters: PubMed 23708187; PubMed 24207121.

NM_001271.4(CHD2):c.3349A>T (p.Arg1117Ter)

Gene: CHD2 (chromodomain helicase DNA binding protein 2; plus strand). Cytogenetic location: 15q26.1.
Variant type: single nucleotide variant.
Coding change: c.3349A>T on transcript NM_001271.4 (MANE Select); coding-DNA position 3349, A replaced by T.
Protein change: p.Arg1117Ter; replaces arginine 1117 with a stop codon.
Molecular consequence: nonsense.
Genome position (GRCh38, 1-based): chr15:92,985,609, A>T. VCF-style: chr15-92985609-A-T. GRCh37 (hg19) VCF-style: chr15-93528839-A-T.
Other names: short protein forms R1117*.
Identifiers: ClinVar variation 963946 (VCV000963946.8), dbSNP rs777803897, ClinGen allele CA393895728.